The following is an entry in ClinVar:

NM_001277115.2(DNAH11):c.7485C>T (p.Phe2495=)

Gene: DNAH11 (dynein axonemal heavy chain 11; plus strand). Cytogenetic location: 7p15.3.
Variant type: single nucleotide variant.
Coding change: c.7485C>T on transcript NM_001277115.2 (MANE Select); coding-DNA position 7485, C replaced by T.
Protein change: p.Phe2495=; no amino-acid change (phenylalanine 2495 retained).
Molecular consequence: synonymous variant.
Genome position (GRCh38, 1-based): chr7:21,735,684, C>T. VCF-style: chr7-21735684-C-T. GRCh37 (hg19) VCF-style: chr7-21775302-C-T.
Other names: c.7485C>T (NM_001277115.1).
Identifiers: ClinVar variation 1127829 (VCV001127829.11), dbSNP rs771739801, ClinGen allele CA4181248.

ClinVar aggregate classification (germline): Likely benign. Review status: criteria provided, single submitter (1 of 4 stars). 2 submissions from 2 submitters: Likely benign (1). 1 of the submissions does not count toward it. Last evaluated 2023-12-09.

Conditions:
DNAH11-related disorder. Also called: DNAH11-related condition.
Primary ciliary dyskinesia. Also called: Ciliary dyskinesia. Identifiers: Orphanet 244, MedGen C0008780, MONDO:0016575, HP:0012265.

Allele frequency attached by ClinVar (database versions not stated): ExAC 0.00001; TOPMed 0.00007.

Submissions (2):

Labcorp Genetics (formerly Invitae), Labcorp
Classification: Likely benign for Primary ciliary dyskinesia. Last evaluated: 2023-12-09. Review status: criteria provided, single submitter. Criteria: Invitae Variant Classification Sherloc (09022015). Collection method: clinical testing. Allele origin: germline.

PreventionGenetics, part of Exact Sciences
Classification: Likely benign for DNAH11-related condition. Last evaluated: 2019-08-09. Review status: no assertion criteria provided. Collection method: clinical testing. Allele origin: germline. Not counted in ClinVar's aggregate classification.
Comment: This variant is classified as likely benign based on ACMG/AMP sequence variant interpretation guidelines (Richards et al. 2015 PMID: 25741868, with internal and published modifications).